The following is an entry in ClinVar:

NM_018026.4(PACS1):c.2250C>G (p.Gly750=)

Gene: PACS1 (phosphofurin acidic cluster sorting protein 1; plus strand). Cytogenetic location: 11q13.2.
Variant type: single nucleotide variant.
Coding change: c.2250C>G on transcript NM_018026.4 (MANE Select); coding-DNA position 2250, C replaced by G.
Protein change: p.Gly750=; no amino-acid change (glycine 750 retained).
Molecular consequence: synonymous variant.
Genome position (GRCh38, 1-based): chr11:66,235,940, C>G. VCF-style: chr11-66235940-C-G. GRCh37 (hg19) VCF-style: chr11-66003411-C-G.
Identifiers: ClinVar variation 2124774 (VCV002124774.4), dbSNP rs773779488, ClinGen allele CA475311015.

ClinVar aggregate classification (germline): Uncertain significance (1 of 4 stars; one submission).

Conditions:
Schuurs-Hoeijmakers syndrome. Also called: PACS1-Related Neurodevelopmental Disorder. Identifiers: Orphanet 329224, MedGen C3554343, MONDO:0014006, OMIM 615009.

Submission:

Labcorp Genetics (formerly Invitae), Labcorp
Classification: Uncertain significance for Schuurs-Hoeijmakers syndrome. Last evaluated: 2023-10-08. Review status: criteria provided, single submitter. Criteria: Invitae Variant Classification Sherloc (09022015). Collection method: clinical testing. Allele origin: germline.
Comment: This sequence change affects codon 750 of the PACS1 mRNA. It is a 'silent' change, meaning that it does not change the encoded amino acid sequence of the PACS1 protein. It affects a nucleotide within the consensus splice site. This variant is not present in population databases (gnomAD no frequency). This variant has not been reported in the literature in individuals affected with PACS1-related conditions. ClinVar contains an entry for this variant (Variation ID: 2124774). Algorithms developed to predict the effect of sequence changes on RNA splicing suggest that this variant is not likely to affect RNA splicing. In summary, the available evidence is currently insufficient to determine the role of this variant in disease. Therefore, it has been classified as a Variant of Uncertain Significance.